The following is an entry in ClinVar:

ClinVar aggregate classification (germline): Conflicting classifications of pathogenicity. Review status: criteria provided, conflicting classifications (1 of 4 stars). 5 submissions from 4 submitters: Uncertain significance (2); Benign (1); Likely benign (1). 1 of the submissions does not count toward it. Last evaluated 2026-01-16.

Conditions:
Leydig cell agenesis. Also called: HYPERGONADOTROPIC HYPOGONADISM, MALE, DUE TO LHCGR DEFECT; LEYDIG CELL HYPOPLASIA WITH MALE PSEUDOHERMAPHRODITISM; LEYDIG CELL HYPOPLASIA, COMPLETE; Leydig cell hypoplasia, type 1. Identifiers: MedGen C0266432, MONDO:0009384, OMIM 238320.
Gonadotropin-independent familial sexual precocity. Also called: Familial male-limited precocious puberty; TESTOTOXICOSIS, FAMILIAL. Identifiers: Orphanet 3000, MedGen C0342549, MONDO:0008303, OMIM 176410.
LHCGR-related disorder. Also called: LHCGR-related condition.

Allele frequency attached by ClinVar (database versions not stated): ExAC 0.00014; gnomAD exomes 0.00020 and 0.00053; TOPMed 0.00026; gnomAD 0.00029 and 0.00031; 1000 Genomes Project 0.00040; 1000 Genomes Project 30x 0.00047.
gnomAD v4.1: 760 of 1,526,192 alleles (0.05%); highest among the groups gnomAD compares: Non-Finnish European, 0.065%; 1 homozygote.

Submissions (5):

Labcorp Genetics (formerly Invitae), Labcorp
Classification: Likely benign. Last evaluated: 2026-01-16. Review status: criteria provided, single submitter. Criteria: Invitae Variant Classification Sherloc (09022015). Collection method: clinical testing. Allele origin: germline.

Genetic Services Laboratory, University of Chicago
Classification: Uncertain significance. Last evaluated: 2018-04-09. Review status: criteria provided, single submitter. Criteria: ACMG Guidelines, 2015. Collection method: clinical testing. Allele origin: germline. Affected: no.

Illumina Laboratory Services, Illumina
Classification: Benign for Gonadotropin-independent familial sexual precocity. Last evaluated: 2018-01-13. Review status: criteria provided, single submitter. Criteria: ICSL Variant Classification Criteria 13 December 2019. Collection method: clinical testing. Allele origin: germline.
Comment: This variant was observed in the ICSL laboratory as part of a predisposition screen in an ostensibly healthy population. It had not been previously curated by ICSL or reported in the Human Gene Mutation Database (HGMD: prior to June 1st, 2018), and was therefore a candidate for classification through an automated scoring system. Utilizing variant allele frequency, disease prevalence and penetrance estimates, and inheritance mode, an automated score was calculated to assess if this variant is too frequent to cause the disease. Based on the score and internal cut-off values, a variant classified as benign is not then subjected to further curation. The score for this variant resulted in a classification of benign for this disease.

Illumina Laboratory Services, Illumina
Classification: Uncertain significance for Leydig cell agenesis. Last evaluated: 2018-01-13. Review status: criteria provided, single submitter. Criteria: ICSL Variant Classification Criteria 13 December 2019. Collection method: clinical testing. Allele origin: germline.

PreventionGenetics, part of Exact Sciences
Classification: Likely benign for LHCGR-related condition. Last evaluated: 2019-02-22. Review status: no assertion criteria provided. Collection method: clinical testing. Allele origin: germline. Not counted in ClinVar's aggregate classification.
Comment: This variant is classified as likely benign based on ACMG/AMP sequence variant interpretation guidelines (Richards et al. 2015 PMID: 25741868, with internal and published modifications).

NM_000233.4(LHCGR):c.161+9A>G

Genes: LHCGR (luteinizing hormone/choriogonadotropin receptor; minus strand), STON1-GTF2A1L (STON1-GTF2A1L readthrough; plus strand). Cytogenetic location: 2p16.3.
Variant type: single nucleotide variant.
Coding change: c.161+9A>G on transcript NM_000233.4 (MANE Select); 9 bases into the intron after coding-DNA position 161, A replaced by G.
Molecular consequence: intron variant.
Genome position (GRCh38, 1-based): chr2:48,755,502, T>C on the plus strand (A>G on the coding strand, the complement: LHCGR is on the minus strand). VCF-style: chr2-48755502-T-C. GRCh37 (hg19) VCF-style: chr2-48982641-T-C.
Other names: c.3442-20778T>C (NM_001198593.2).
Identifiers: ClinVar variation 895727 (VCV000895727.13), dbSNP rs573699597, ClinGen allele CA1653483.